The following is an entry in ClinVar:

NM_001110556.2(FLNA):c.1691+6G>A

Gene: FLNA (filamin A; minus strand). Cytogenetic location: Xq28.
Variant type: single nucleotide variant.
Coding change: c.1691+6G>A on transcript NM_001110556.2 (MANE Select); 6 bases into the intron after coding-DNA position 1691, G replaced by A.
Molecular consequence: intron variant.
Genome position (GRCh38, 1-based): chrX:154,365,130, C>T on the plus strand (G>A on the coding strand, the complement: FLNA is on the minus strand). VCF-style: chrX-154365130-C-T. GRCh37 (hg19) VCF-style: chrX-153593498-C-T.
Other names: c.1691+6G>A (NM_001456.4).
Identifiers: ClinVar variation 513915 (VCV000513915.5), dbSNP rs1557178889, ClinGen allele CA658799909.

ClinVar aggregate classification (germline): Conflicting classifications of pathogenicity. Review status: criteria provided, conflicting classifications (1 of 4 stars). 2 submissions from 2 submitters: Uncertain significance (1); Likely benign (1). Last evaluated 2021-04-07.

Allele frequency attached by ClinVar (database versions not stated): gnomAD exomes below 0.00001.
gnomAD v4.1: 4 of 1,211,541 alleles (0.00033%); highest among the groups gnomAD compares: Non-Finnish European, 0.00034%; no homozygotes.

Submissions (2):

Mayo Clinic Laboratories, Mayo Clinic
Classification: Uncertain significance. Last evaluated: 2021-04-07. Review status: criteria provided, single submitter. Criteria: ACMG Guidelines, 2015. Collection method: clinical testing. Allele origin: germline.

GeneDx
Classification: Likely benign. Last evaluated: 2017-12-06. Review status: criteria provided, single submitter. Criteria: GeneDx Variant Classification (06012015). Collection method: clinical testing. Allele origin: germline. Affected: yes.
Comment: This variant is considered likely benign or benign based on one or more of the following criteria: it is a conservative change, it occurs at a poorly conserved position in the protein, it is predicted to be benign by multiple in silico algorithms, and/or has population frequency not consistent with disease.